The following is an entry in ClinVar:

ClinVar aggregate classification (germline): Uncertain significance (1 of 4 stars; one submission).

Conditions:
Ataxia-telangiectasia syndrome (AT). Also called: Cerebello-oculocutaneous telangiectasia; Immunodeficiency with ataxia telangiectasia; AT, COMPLEMENTATION GROUP C; ATAXIA-TELANGIECTASIA, COMPLEMENTATION GROUP A; ATAXIA-TELANGIECTASIA, FRESNO VARIANT; LOUIS-BAR SYNDROME. Identifiers: Orphanet 100, MedGen C0004135, MONDO:0008840, OMIM 208900.

Submission:

Labcorp Genetics (formerly Invitae), Labcorp
Classification: Uncertain significance for Ataxia-telangiectasia syndrome. Last evaluated: 2022-01-26. Review status: criteria provided, single submitter. Criteria: Invitae Variant Classification Sherloc (09022015). Collection method: clinical testing. Allele origin: germline.
Comment: This variant is not present in population databases (gnomAD no frequency). In summary, the available evidence is currently insufficient to determine the role of this variant in disease. Therefore, it has been classified as a Variant of Uncertain Significance. Advanced modeling of protein sequence and biophysical properties (such as structural, functional, and spatial information, amino acid conservation, physicochemical variation, residue mobility, and thermodynamic stability) performed at Invitae indicates that this missense variant is not expected to disrupt ATM protein function. This variant has not been reported in the literature in individuals affected with ATM-related conditions. This sequence change replaces tyrosine, which is neutral and polar, with serine, which is neutral and polar, at codon 1844 of the ATM protein (p.Tyr1844Ser).

NM_000051.4(ATM):c.5531A>C (p.Tyr1844Ser)

Gene: ATM (ATM serine/threonine kinase; plus strand). Cytogenetic location: 11q22.3.
Variant type: single nucleotide variant.
Coding change: c.5531A>C on transcript NM_000051.4 (MANE Select); coding-DNA position 5531, A replaced by C.
Protein change: p.Tyr1844Ser; replaces tyrosine 1844 with serine.
Molecular consequence: missense variant.
Genome position (GRCh38, 1-based): chr11:108,304,709, A>C. VCF-style: chr11-108304709-A-C. GRCh37 (hg19) VCF-style: chr11-108175436-A-C.
Other names: c.5531A>C, p.Tyr1844Ser (NM_001351834.2); short protein forms Y1844S.
Identifiers: ClinVar variation 1502681 (VCV001502681.8), dbSNP rs876658907, ClinGen allele CA382545871.